The following is an entry in ClinVar:

ClinVar aggregate classification (germline): Uncertain significance (1 of 4 stars; one submission).

Submission:

Labcorp Genetics (formerly Invitae), Labcorp
Classification: Uncertain significance. Last evaluated: 2023-06-30. Review status: criteria provided, single submitter. Criteria: Invitae Variant Classification Sherloc (09022015). Collection method: clinical testing. Allele origin: germline.
Comment: Advanced modeling of protein sequence and biophysical properties (such as structural, functional, and spatial information, amino acid conservation, physicochemical variation, residue mobility, and thermodynamic stability) performed at Invitae indicates that this missense variant is expected to disrupt C1S protein function. In summary, the available evidence is currently insufficient to determine the role of this variant in disease. Therefore, it has been classified as a Variant of Uncertain Significance. This sequence change replaces proline, which is neutral and non-polar, with leucine, which is neutral and non-polar, at codon 256 of the C1S protein (p.Pro256Leu). This variant is not present in population databases (gnomAD no frequency). This variant has not been reported in the literature in individuals affected with C1S-related conditions.

NM_001734.5(C1S):c.767C>T (p.Pro256Leu)

Gene: C1S (complement C1s; plus strand). Cytogenetic location: 12p13.31.
Variant type: single nucleotide variant.
Coding change: c.767C>T on transcript NM_001734.5 (MANE Select); coding-DNA position 767, C replaced by T.
Protein change: p.Pro256Leu; replaces proline 256 with leucine.
Molecular consequence: missense variant.
Genome position (GRCh38, 1-based): chr12:7,065,866, C>T. VCF-style: chr12-7065866-C-T. GRCh37 (hg19) VCF-style: chr12-7173170-C-T.
Other names: c.767C>T, p.Pro256Leu (NM_201442.4); c.266C>T, p.Pro89Leu (NM_001346850.2); short protein forms P89L, P256L.
Identifiers: ClinVar variation 2733947 (VCV002733947.3), dbSNP rs2135725017, ClinGen allele CA383697064.
Genomic context (GRCh38, chr12:7,065,866, plus strand): 5'-ATTTTGTTCAGTTTGTTGCAGGAGATCGGCAATTTGGTCCTTACTGTGGTCATGGATTCC[C>T]TGGGCCTCTAAATATTGAAACCAAGAGTAATGCTCTTGATATCATCTTCCAAACTGATCT-3'
Protein context (NP_001725.1, residues 246-266): QFGPYCGHGF[Pro256Leu]GPLNIETKSN